The following is an entry in ClinVar:

ClinVar aggregate classification (germline): Uncertain significance. Review status: criteria provided, multiple submitters, no conflicts (2 of 4 stars). 3 submissions from 3 submitters: Uncertain significance (3). Last evaluated 2025-10-22.

Conditions:
Inborn genetic diseases. Identifiers: MedGen C0950123, MeSH D030342.
Glycogen storage disease IXb (GSD9B). Also called: GLYCOGENOSIS OF LIVER AND MUSCLE, AUTOSOMAL RECESSIVE; PHOSPHORYLASE KINASE DEFICIENCY OF LIVER AND MUSCLE, AUTOSOMAL RECESSIVE; GSD IXb. Identifiers: Orphanet 79240, MedGen C0543514, MONDO:0009868, OMIM 261750.

Allele frequency attached by ClinVar (database versions not stated): gnomAD exomes below 0.00001; gnomAD 0.00002; TOPMed 0.00002.
gnomAD v4.1: 10 of 1,485,412 alleles (0.00067%); highest among the groups gnomAD compares: East Asian, 0.009%; no homozygotes.

Submissions (3):

Ambry Genetics
Classification: Uncertain significance for Inborn genetic diseases. Last evaluated: 2025-10-22. Review status: criteria provided, single submitter. Criteria: Ambry Variant Classification Scheme 2023. Collection method: clinical testing. Allele origin: germline.

Mayo Clinic Laboratories, Mayo Clinic
Classification: Uncertain significance. Last evaluated: 2024-05-09. Review status: criteria provided, single submitter. Criteria: ACMG Guidelines, 2015. Collection method: clinical testing. Allele origin: germline. Observed: 1 variant allele.
Comment: PM2

Labcorp Genetics (formerly Invitae), Labcorp
Classification: Uncertain significance for Glycogen storage disease IXb. Last evaluated: 2021-08-28. Review status: criteria provided, single submitter. Criteria: Invitae Variant Classification Sherloc (09022015). Collection method: clinical testing. Allele origin: germline.
Comment: This sequence change replaces isoleucine with valine at codon 374 of the PHKB protein (p.Ile374Val). The isoleucine residue is highly conserved and there is a small physicochemical difference between isoleucine and valine. This variant is not present in population databases (ExAC no frequency). This variant has not been reported in the literature in individuals affected with PHKB-related conditions. Algorithms developed to predict the effect of missense changes on protein structure and function are either unavailable or do not agree on the potential impact of this missense change (SIFT: "Tolerated"; PolyPhen-2: "Probably Damaging"; Align-GVGD: "Class C15"). In summary, the available evidence is currently insufficient to determine the role of this variant in disease. Therefore, it has been classified as a Variant of Uncertain Significance.

NM_000293.3(PHKB):c.1120A>G (p.Ile374Val)

Gene: PHKB (phosphorylase kinase regulatory subunit beta; plus strand). Cytogenetic location: 16q12.1.
Variant type: single nucleotide variant.
Coding change: c.1120A>G on transcript NM_000293.3 (MANE Select); coding-DNA position 1120, A replaced by G.
Protein change: p.Ile374Val; replaces isoleucine 374 with valine.
Molecular consequence: missense variant.
Genome position (GRCh38, 1-based): chr16:47,593,551, A>G. VCF-style: chr16-47593551-A-G. GRCh37 (hg19) VCF-style: chr16-47627462-A-G.
Other names: p.Ile374Val; c.1099A>G, p.Ile367Val (NM_001031835.3); c.1120A>G, p.Ile374Val (NM_001363837.1); short protein forms I374V, I367V.
Identifiers: ClinVar variation 838928 (VCV000838928.9), dbSNP rs1243574468, ClinGen allele CA395797930.